The following is an entry in ClinVar:

NM_006231.4(POLE):c.5819C>T (p.Ser1940Phe)

Gene: POLE (DNA polymerase epsilon, catalytic subunit; minus strand). Cytogenetic location: 12q24.33.
Variant type: single nucleotide variant.
Coding change: c.5819C>T on transcript NM_006231.4 (MANE Select); coding-DNA position 5819, C replaced by T.
Protein change: p.Ser1940Phe; replaces serine 1940 with phenylalanine.
Molecular consequence: missense variant.
Genome position (GRCh38, 1-based): chr12:132,634,371, G>A on the plus strand (C>T on the coding strand, the complement: POLE is on the minus strand). VCF-style: chr12-132634371-G-A. GRCh37 (hg19) VCF-style: chr12-133210957-G-A.
Other names: short protein forms S1940F.
Identifiers: ClinVar variation 2706558 (VCV002706558.3), dbSNP rs2138475683, ClinGen allele CA387371895.

ClinVar aggregate classification (germline): Uncertain significance (1 of 4 stars; one submission).

Allele frequency attached by ClinVar (database versions not stated): gnomAD exomes below 0.00001.
gnomAD v4.1: 1 of 1,612,674 alleles (0.000062%); highest among the groups gnomAD compares: South Asian, 0.0011%; no homozygotes.

Submission:

Labcorp Genetics (formerly Invitae), Labcorp
Classification: Uncertain significance. Last evaluated: 2023-12-30. Review status: criteria provided, single submitter. Criteria: Invitae Variant Classification Sherloc (09022015). Collection method: clinical testing. Allele origin: germline.
Comment: This sequence change replaces serine, which is neutral and polar, with phenylalanine, which is neutral and non-polar, at codon 1940 of the POLE protein (p.Ser1940Phe). This variant is not present in population databases (gnomAD no frequency). This variant has not been reported in the literature in individuals affected with POLE-related conditions. An algorithm developed to predict the effect of missense changes on protein structure and function (PolyPhen-2) suggests that this variant is likely to be tolerated. In summary, the available evidence is currently insufficient to determine the role of this variant in disease. Therefore, it has been classified as a Variant of Uncertain Significance.